The following is an entry in ClinVar:

NM_000059.4(BRCA2):c.8817_8820del (p.Lys2939fs)

Gene: BRCA2 (BRCA2 DNA repair associated; plus strand). Cytogenetic location: 13q13.1.
Variant type: Deletion.
Coding change: c.8817_8820del on transcript NM_000059.4 (MANE Select); coding-DNA positions 8817 to 8820, 4 bases deleted (GAAA; older notation c.8817_8820delGAAA).
Protein change: p.Lys2939fs; shifts the reading frame from lysine 2939.
Molecular consequence: frameshift variant.
Genome position (GRCh38, 1-based): chr13:32,379,379-32,379,382, GAAA deleted; deleting any 4 consecutive bases within chr13:32,379,377-32,379,382 gives the same sequence; the c. name uses the placement nearest the transcript's 3' end. VCF-style (leftmost placement, unchanged base first): chr13-32379376-TAAGA-T. GRCh37 (hg19) VCF-style: chr13-32953513-TAAGA-T.
Other names: 9045delGAAA; c.8817_8820delGAAA (NM_000059.3).
Identifiers: ClinVar variation 52684 (VCV000052684.21), dbSNP rs397508010, ClinGen allele CA025834.

ClinVar aggregate classification (germline): Pathogenic. Review status: reviewed by expert panel (3 of 4 stars). 7 submissions from 7 submitters: Pathogenic (1). 6 of the submissions do not count toward it. Last evaluated 2016-10-18.

Conditions:
Breast-ovarian cancer, familial, susceptibility to, 2 (BROVCA2). Also called: BRCA2 Hereditary Breast and Ovarian Cancer. Identifiers: Orphanet 145, MedGen C2675520, MONDO:0012933, OMIM 612555. Disease mechanism: loss of function.
Fanconi anemia complementation group D1. Also called: BRCA2-Related Fanconi Anemia. Identifiers: Orphanet 319462, MedGen C1838457, MONDO:0011584, OMIM 605724.
Medulloblastoma (MDB). Also called: MEDULLOBLASTOMA PREDISPOSITION SYNDROME; Medulloblastoma, somatic. Identifiers: Orphanet 616, MedGen C0025149, MeSH D008527, MONDO:0007959, OMIM 155255, HP:0002885.
Pancreatic cancer, susceptibility to, 2. Identifiers: Orphanet 1333, MedGen C3150546, MONDO:0013235, OMIM 613347.
Glioma susceptibility 3 (GLM3). Also called: Glioblastoma 3. Identifiers: Orphanet 182067, Orphanet 360, MedGen C2751641, MONDO:0013093, OMIM 613029.
Wilms tumor 1 (WT1). Also called: Wilms tumor, somatic. Identifiers: Orphanet 654, MedGen CN033288, MONDO:0008679, OMIM 194070.
Familial cancer of breast. Also called: hereditary breast carcinoma; BREAST CANCER, FAMILIAL; Hereditary breast cancer. Identifiers: Orphanet 227535, MedGen C0346153, MONDO:0016419, OMIM 114480. Disease mechanism: loss of function.
Prostate cancer. Also called: Malignant tumor of prostate. Identifiers: Orphanet 1331, MedGen C0376358, MONDO:0008315, HP:0012125.
Melanoma, cutaneous malignant, susceptibility to, 1 (CMM1). Also called: MELANOMA, MALIGNANT; DYSPLASTIC NEVUS SYNDROME, HEREDITARY; FAMILIAL ATYPICAL MOLE-MALIGNANT MELANOMA SYNDROME; B-K MOLE SYNDROME. Identifiers: Orphanet 618, MedGen C1835047, MONDO:0007963, OMIM 155600.
Hereditary cancer-predisposing syndrome. Also called: Hereditary Cancer Syndrome; Neoplastic Syndromes, Hereditary; Hereditary neoplastic syndrome; Tumor predisposition. Identifiers: Orphanet 140162, MedGen C0027672, MeSH D009386, MONDO:0015356.
Hereditary breast ovarian cancer syndrome. Also called: Hereditary breast and ovarian cancer syndrome; Breast and ovarian cancer; Hereditary breast and ovarian cancer syndrome (HBOC); BRCA1- and BRCA2-Associated Hereditary Breast and Ovarian Cancer; Hereditary breast and/or ovarian cancer syndrome; Hereditary breast and ovarian cancer. Identifiers: Orphanet 145, MedGen C0677776, MeSH D061325, MONDO:0003582. Disease mechanism: loss of function.

Submissions (7):

Evidence-based Network for the Interpretation of Germline Mutant Alleles (ENIGMA)
Classification: Pathogenic for Breast-ovarian cancer, familial, susceptibility to, 2. Last evaluated: 2016-10-18. Review status: reviewed by expert panel. Criteria: ENIGMA BRCA1/2 Classification Criteria (2015). Collection method: curation. Allele origin: germline.
Comment: Variant allele predicted to encode a truncated non-functional protein.

Labcorp Genetics (formerly Invitae), Labcorp
Classification: Pathogenic for Hereditary breast ovarian cancer syndrome. Last evaluated: 2023-11-08. Review status: criteria provided, single submitter. Criteria: Invitae Variant Classification Sherloc (09022015). Collection method: clinical testing. Allele origin: germline. Not counted in ClinVar's aggregate classification.
Comment: This sequence change creates a premature translational stop signal (p.Lys2939Asnfs*36) in the BRCA2 gene. It is expected to result in an absent or disrupted protein product. Loss-of-function variants in BRCA2 are known to be pathogenic (PMID: 20104584). This variant is not present in population databases (gnomAD no frequency). This premature translational stop signal has been observed in individual(s) with breast cancer (PMID: 22034289). This variant is also known as 9045delGAAA. ClinVar contains an entry for this variant (Variation ID: 52684). For these reasons, this variant has been classified as Pathogenic.

Quest Diagnostics Nichols Institute San Juan Capistrano
Classification: Pathogenic. Last evaluated: 2023-02-11. Review status: criteria provided, single submitter. Criteria: Quest Diagnostics criteria. Collection method: clinical testing. Allele origin: unknown. Not counted in ClinVar's aggregate classification.
Comment: This frameshift variant alters the translational reading frame of the BRCA2 mRNA and causes the premature termination of BRCA2 protein synthesis. This variant has not been reported in large, multi-ethnic general populations. In the published literature, the variant has been reported in individuals with breast cancer (PMID: 22034289 (2012) and 22739995 (2012)). Based on the available information, this variant is classified as pathogenic.

Genetic Services Laboratory, University of Chicago
Classification: Pathogenic. Last evaluated: 2022-01-09. Review status: criteria provided, single submitter. Criteria: ACMG Guidelines, 2015. Collection method: clinical testing. Allele origin: germline. Affected: yes. Not counted in ClinVar's aggregate classification.
Comment: DNA sequence analysis of the BRCA2 gene demonstrated a four base pair deletion in exon 22, c.8817_8820del. This sequence change results in an amino acid frameshift and creates a premature stop codon 36 amino acids downstream of the sequence change, p.Lys2939Asnfs*36. This sequence change is predicted to result in an abnormal transcript, which may be degraded, or may lead to the production of a truncated BRCA2 protein with potentially abnormal function. This sequence change has previously been described in individuals with breast cancer (PMID: 22034289, 22739995). This sequence change has not been described in the gnomAD population database (rs397508010). Collectively these evidences suggest that, the c.3028del change is pathogenic.

Ambry Genetics
Classification: Pathogenic for Hereditary cancer-predisposing syndrome. Last evaluated: 2020-12-31. Review status: criteria provided, single submitter. Criteria: Ambry Variant Classification Scheme 2023. Collection method: clinical testing. Allele origin: germline. Not counted in ClinVar's aggregate classification.
Comment: The c.8817_8820delGAAA pathogenic mutation, located in coding exon 21 of the BRCA2 gene, results from a deletion of 4 nucleotides at nucleotide positions 8817 to 8820, causing a translational frameshift with a predicted alternate stop codon (p.K2939Nfs*36). This alteration was identified in two Yoruban patients from a Nigerian breast cancer cohort (Fackenthal JD et al. Int J Cancer, 2012 Sep;131:1114-23; Rebbeck TR et al. Hum Mutat, 2018 05;39:593-620). In addition to the clinical data presented in the literature, this alteration is expected to result in loss of function by premature protein truncation or nonsense-mediated mRNA decay. As such, this alteration is interpreted as a disease-causing mutation.

Color Diagnostics, LLC DBA Color Health
Classification: Pathogenic for Hereditary cancer-predisposing syndrome. Last evaluated: 2020-02-20. Review status: criteria provided, single submitter. Criteria: ACMG Guidelines, 2015. Collection method: clinical testing. Allele origin: germline. Not counted in ClinVar's aggregate classification.
Comment: This variant deletes 4 nucleotides in exon 22 of the BRCA2 gene, creating a frameshift and premature translation stop signal. This variant is expected to result in an absent or non-functional protein product. This variant has been reported in two African individuals affected with breast cancer (PMID: 22034289, 22739995). This variant has not been identified in the general population by the Genome Aggregation Database (gnomAD). Loss of BRCA2 function is a known mechanism of disease. Based on the available evidence, this variant is classified as Pathogenic.

Consortium of Investigators of Modifiers of BRCA1/2 (CIMBA), c/o University of Cambridge
Classification: Pathogenic for Breast-ovarian cancer, familial, susceptibility to, 2. Last evaluated: 2015-10-02. Review status: criteria provided, single submitter. Criteria: CIMBA Mutation Classification guidelines May 2016. Collection method: clinical testing. Allele origin: germline. Not counted in ClinVar's aggregate classification.

Literature cited by the submitters: PubMed 20104584 (cited by Labcorp Genetics (formerly Invitae), Labcorp); PubMed 22034289 (cited by 3 submitters); PubMed 22739995 (cited by Quest Diagnostics Nichols Institute San Juan Capistrano and Ambry Genetics); PubMed 28918466 (cited by Quest Diagnostics Nichols Institute San Juan Capistrano and Ambry Genetics); PubMed 29446198 (cited by Quest Diagnostics Nichols Institute San Juan Capistrano and Ambry Genetics).